The following is an entry in ClinVar:

ClinVar aggregate classification (germline): Pathogenic (1 of 4 stars; one submission).

Conditions:
Tuberous sclerosis 1 (TSC1). Identifiers: Orphanet 805, MedGen C1854465, MONDO:0008612, OMIM 191100.

Submission:

Labcorp Genetics (formerly Invitae), Labcorp
Classification: Pathogenic for Tuberous sclerosis 1. Last evaluated: 2022-09-14. Review status: criteria provided, single submitter. Criteria: Invitae Variant Classification Sherloc (09022015). Collection method: clinical testing. Allele origin: germline.
Comment: For these reasons, this variant has been classified as Pathogenic. This sequence change creates a premature translational stop signal (p.Lys756Argfs*4) in the TSC1 gene. It is expected to result in an absent or disrupted protein product. Loss-of-function variants in TSC1 are known to be pathogenic (PMID: 10227394, 17304050). This variant is not present in population databases (gnomAD no frequency). This variant has not been reported in the literature in individuals affected with TSC1-related conditions.

Literature cited by the submitters: PubMed 10227394; PubMed 17304050.

NM_000368.5(TSC1):c.2265_2266del (p.Lys756fs)

Gene: TSC1 (TSC complex subunit 1; minus strand). Cytogenetic location: 9q34.13.
Variant type: Deletion.
Coding change: c.2265_2266del on transcript NM_000368.5 (MANE Select); coding-DNA positions 2265 to 2266, 2 bases deleted (GA; older notation c.2265_2266delGA).
Protein change: p.Lys756fs; shifts the reading frame from lysine 756.
Molecular consequence: frameshift variant.
Genome position (GRCh38, 1-based): chr9:132,902,730-132,902,731, TC deleted on the plus strand (GA on the coding strand, the reverse complement: TSC1 is on the minus strand); deleting any 2 consecutive bases within chr9:132,902,730-132,902,732 gives the same sequence; the c. name uses the placement nearest the transcript's 3' end. VCF-style (leftmost placement, unchanged base first): chr9-132902729-TTC-T. GRCh37 (hg19) VCF-style: chr9-135778116-TTC-T.
Other names: c.2264_2265delAG, p.Lys756Argfs (NM_001406593.1, NM_001406594.1, NM_001406595.1 and 5 more transcripts); c.2261_2262delAG, p.Lys755Argfs (NM_001406597.1, NM_001406598.1, NM_001406599.1 and 3 more transcripts); c.2249_2250delAG, p.Lys751Argfs (NM_001406601.1, NM_001406602.1); c.2246_2247delAG, p.Lys750Argfs (NM_001406603.1, NM_001406604.1); c.2111_2112delAG, p.Lys705Argfs (NM_001406610.1); c.2108_2109delAG, p.Lys704Argfs (NM_001406611.1, NM_001406612.1, NM_001406613.1); c.1901_1902delAG, p.Lys635Argfs (NM_001406614.1, NM_001406615.1, NM_001406616.1 and 4 more transcripts); c.1898_1899delAG, p.Lys634Argfs (NM_001406620.1, NM_001406621.1, NM_001406622.1 and 2 more transcripts); and 6 more; short protein forms K635fs, K755fs, K756fs, K705fs.
Identifiers: ClinVar variation 2030522 (VCV002030522.4), dbSNP rs2538621161, ClinGen allele CA2580080146.